The following is an entry in ClinVar:

NM_001349253.2(SCN11A):c.3332C>T (p.Ala1111Val)

Gene: SCN11A (sodium voltage-gated channel alpha subunit 11; minus strand). Cytogenetic location: 3p22.2.
Variant type: single nucleotide variant.
Coding change: c.3332C>T on transcript NM_001349253.2 (MANE Select); coding-DNA position 3332, C replaced by T.
Protein change: p.Ala1111Val; replaces alanine 1111 with valine.
Molecular consequence: missense variant.
Genome position (GRCh38, 1-based): chr3:38,880,011, G>A on the plus strand (C>T on the coding strand, the complement: SCN11A is on the minus strand). VCF-style: chr3-38880011-G-A. GRCh37 (hg19) VCF-style: chr3-38921502-G-A.
Other names: c.3332C>T, p.Ala1111Val (NM_014139.3); short protein forms A1111V.
Identifiers: ClinVar variation 957136 (VCV000957136.6), dbSNP rs781584280, ClinGen allele CA72986567.

ClinVar aggregate classification (germline): Uncertain significance (1 of 4 stars; one submission).

Conditions:
Familial episodic pain syndrome with predominantly lower limb involvement. Also called: Episodic pain syndrome, familial, 3. Identifiers: Orphanet 391384, Orphanet 391392, MedGen C3809899, MONDO:0014247, OMIM 615552.
Hereditary sensory and autonomic neuropathy type 7. Also called: HSAN VII; Neuropathy, hereditary sensory and autonomic, type VII. Identifiers: Orphanet 391397, MedGen C3809882, MONDO:0014244, OMIM 615548.

Allele frequency attached by ClinVar (database versions not stated): gnomAD exomes below 0.00001.
gnomAD v4.1: 1 of 1,612,620 alleles (0.000062%); highest among the groups gnomAD compares: Non-Finnish European, 0.000085%; no homozygotes.

Submission:

Labcorp Genetics (formerly Invitae), Labcorp
Classification: Uncertain significance for Familial episodic pain syndrome with predominantly lower limb involvement; Hereditary sensory and autonomic neuropathy type 7. Last evaluated: 2019-10-12. Review status: criteria provided, single submitter. Criteria: Invitae Variant Classification Sherloc (09022015). Collection method: clinical testing. Allele origin: germline.
Comment: In summary, the available evidence is currently insufficient to determine the role of this variant in disease. Therefore, it has been classified as a Variant of Uncertain Significance. Algorithms developed to predict the effect of missense changes on protein structure and function are either unavailable or do not agree on the potential impact of this missense change (SIFT: "Deleterious"; PolyPhen-2: "Benign"; Align-GVGD: "Class C55"). This variant has not been reported in the literature in individuals with SCN11A-related conditions. This variant is not present in population databases (ExAC no frequency). This sequence change replaces alanine with valine at codon 1111 of the SCN11A protein (p.Ala1111Val). The alanine residue is highly conserved and there is a small physicochemical difference between alanine and valine.